The following is an entry in ClinVar:

NM_015559.3(SETBP1):c.597G>T (p.Gln199His)

Gene: SETBP1 (SET binding protein 1; plus strand). Cytogenetic location: 18q12.3.
Variant type: single nucleotide variant.
Coding change: c.597G>T on transcript NM_015559.3 (MANE Select); coding-DNA position 597, G replaced by T.
Protein change: p.Gln199His; replaces glutamine 199 with histidine.
Molecular consequence: missense variant.
Genome position (GRCh38, 1-based): chr18:44,949,937, G>T. VCF-style: chr18-44949937-G-T. GRCh37 (hg19) VCF-style: chr18-42529902-G-T.
Other names: c.597G>T, p.Gln199His (NM_001379141.1, NM_001379142.1, NM_001410862.1); short protein forms Q199H.
Identifiers: ClinVar variation 4745376 (VCV004745376.1).

ClinVar aggregate classification (germline): Uncertain significance (1 of 4 stars; one submission).

Submission:

Labcorp Genetics (formerly Invitae), Labcorp
Classification: Uncertain significance. Last evaluated: 2025-11-05. Review status: criteria provided, single submitter. Criteria: Invitae Variant Classification Sherloc (09022015). Collection method: clinical testing. Allele origin: germline.
Comment: This sequence change replaces glutamine, which is neutral and polar, with histidine, which is basic and polar, at codon 199 of the SETBP1 protein (p.Gln199His). This variant is not present in population databases (gnomAD no frequency). This variant has not been reported in the literature in individuals affected with SETBP1-related conditions. Invitae Evidence Modeling of protein sequence and biophysical properties (such as structural, functional, and spatial information, amino acid conservation, physicochemical variation, residue mobility, and thermodynamic stability) indicates that this missense variant is not expected to disrupt SETBP1 protein function with a negative predictive value of 80%. In summary, the available evidence is currently insufficient to determine the role of this variant in disease. Therefore, it has been classified as a Variant of Uncertain Significance.